The following is an entry in ClinVar:

NM_022454.4(SOX17):c.273A>T (p.Pro91=)

Gene: SOX17 (SRY-box transcription factor 17; plus strand). Cytogenetic location: 8q11.23.
Variant type: single nucleotide variant.
Coding change: c.273A>T on transcript NM_022454.4 (MANE Select); coding-DNA position 273, A replaced by T.
Protein change: p.Pro91=; no amino-acid change (proline 91 retained).
Molecular consequence: synonymous variant.
Genome position (GRCh38, 1-based): chr8:54,458,411, A>T. VCF-style: chr8-54458411-A-T. GRCh37 (hg19) VCF-style: chr8-55370971-A-T.
Identifiers: ClinVar variation 717906 (VCV000717906.14), dbSNP rs10104846, ClinGen allele CA4750830.

ClinVar aggregate classification (germline): Benign. Review status: criteria provided, multiple submitters, no conflicts (2 of 4 stars). 4 submissions from 4 submitters: Benign (3). 1 of the submissions does not count toward it. Last evaluated 2026-01-14.

Conditions:
SOX17-related disorder. Also called: SOX17-related condition.

Allele frequency attached by ClinVar (database versions not stated): gnomAD exomes 0.00163 and 0.00431; ExAC 0.00490; 1000 Genomes Project 0.01597; gnomAD 0.01676 and 0.01803; 1000 Genomes Project 30x 0.01733; ESP Exome Variant Server 0.01847; TOPMed 0.01883.

Submissions (4):

Labcorp Genetics (formerly Invitae), Labcorp
Classification: Benign. Last evaluated: 2026-01-14. Review status: criteria provided, single submitter. Criteria: Invitae Variant Classification Sherloc (09022015). Collection method: clinical testing. Allele origin: germline.

GeneDx
Classification: Benign. Last evaluated: 2021-05-06. Review status: criteria provided, single submitter. Criteria: GeneDx Variant Classification Process June 2021. Collection method: clinical testing. Allele origin: germline. Affected: yes.

Breakthrough Genomics
Classification: Benign. Review status: criteria provided, single submitter. Criteria: ACMG Guidelines, 2015. Collection method: not provided. Allele origin: germline. Inheritance: Autosomal dominant inheritance. Affected: yes.

PreventionGenetics, part of Exact Sciences
Classification: Benign for SOX17-related condition. Last evaluated: 2019-07-01. Review status: no assertion criteria provided. Collection method: clinical testing. Allele origin: germline. Not counted in ClinVar's aggregate classification.
Comment: This variant is classified as benign based on ACMG/AMP sequence variant interpretation guidelines (Richards et al. 2015 PMID: 25741868, with internal and published modifications).